The following is an entry in ClinVar:

NM_000067.3(CA2):c.441G>T (p.Leu147Phe)

Gene: CA2 (carbonic anhydrase 2; plus strand). Cytogenetic location: 8q21.2.
Variant type: single nucleotide variant.
Coding change: c.441G>T on transcript NM_000067.3 (MANE Select); coding-DNA position 441, G replaced by T.
Protein change: p.Leu147Phe; replaces leucine 147 with phenylalanine.
Molecular consequence: missense variant.
Genome position (GRCh38, 1-based): chr8:85,474,413, G>T. VCF-style: chr8-85474413-G-T. GRCh37 (hg19) VCF-style: chr8-86386642-G-T.
Other names: c.138G>T, p.Leu46Phe (NM_001293675.2); short protein forms L46F, L147F.
Identifiers: ClinVar variation 2086498 (VCV002086498.4), dbSNP rs2536486889, ClinGen allele CA371428999.

ClinVar aggregate classification (germline): Uncertain significance (1 of 4 stars; one submission).

Submission:

Labcorp Genetics (formerly Invitae), Labcorp
Classification: Uncertain significance. Last evaluated: 2022-08-22. Review status: criteria provided, single submitter. Criteria: Invitae Variant Classification Sherloc (09022015). Collection method: clinical testing. Allele origin: germline.
Comment: Algorithms developed to predict the effect of missense changes on protein structure and function are either unavailable or do not agree on the potential impact of this missense change (SIFT: "Deleterious"; PolyPhen-2: "Possibly Damaging"; Align-GVGD: "Class C0"). This variant has not been reported in the literature in individuals affected with CA2-related conditions. This variant is not present in population databases (gnomAD no frequency). This sequence change replaces leucine, which is neutral and non-polar, with phenylalanine, which is neutral and non-polar, at codon 147 of the CA2 protein (p.Leu147Phe). In summary, the available evidence is currently insufficient to determine the role of this variant in disease. Therefore, it has been classified as a Variant of Uncertain Significance.